The following is an entry in ClinVar:

ClinVar aggregate classification (germline): Uncertain significance. Review status: criteria provided, multiple submitters, no conflicts (2 of 4 stars). 3 submissions from 3 submitters: Uncertain significance (3). Last evaluated 2025-06-18.

Conditions:
Hereditary cancer-predisposing syndrome. Also called: Neoplastic Syndromes, Hereditary; Hereditary Cancer Syndrome; Tumor predisposition; Hereditary neoplastic syndrome. Identifiers: Orphanet 140162, MedGen C0027672, MeSH D009386, MONDO:0015356.
Familial cancer of breast. Also called: hereditary breast carcinoma; BREAST CANCER, FAMILIAL; Hereditary breast cancer. Identifiers: Orphanet 227535, MedGen C0346153, MONDO:0016419, OMIM 114480. Disease mechanism: loss of function.

Submissions (3):

Ambry Genetics
Classification: Uncertain significance for Hereditary cancer-predisposing syndrome. Last evaluated: 2025-06-18. Review status: criteria provided, single submitter. Criteria: Ambry Variant Classification Scheme 2023. Collection method: clinical testing. Allele origin: germline.
Comment: The p.K623N variant (also known as c.1869G>C), located in coding exon 5 of the PALB2 gene, results from a G to C substitution at nucleotide position 1869. The lysine at codon 623 is replaced by asparagine, an amino acid with similar properties. This amino acid position is conserved. In addition, this alteration is predicted to be tolerated by in silico analysis. Based on the available evidence, the clinical significance of this variant remains unclear.

Baylor Genetics
Classification: Uncertain significance for Familial cancer of breast. Last evaluated: 2023-09-11. Review status: criteria provided, single submitter. Criteria: ACMG Guidelines, 2015. Collection method: clinical testing. Allele origin: unknown.

Labcorp Genetics (formerly Invitae), Labcorp
Classification: Uncertain significance for Familial cancer of breast. Last evaluated: 2019-05-07. Review status: criteria provided, single submitter. Criteria: Invitae Variant Classification Sherloc (09022015). Collection method: clinical testing. Allele origin: germline.
Comment: This sequence change replaces lysine with asparagine at codon 623 of the PALB2 protein (p.Lys623Asn). The lysine residue is highly conserved and there is a moderate physicochemical difference between lysine and asparagine. In summary, the available evidence is currently insufficient to determine the role of this variant in disease. Therefore, it has been classified as a Variant of Uncertain Significance. Algorithms developed to predict the effect of missense changes on protein structure and function are either unavailable or do not agree on the potential impact of this missense change (SIFT: "Tolerated"; PolyPhen-2: "Probably Damaging"; Align-GVGD: "Class C0"). This variant has not been reported in the literature in individuals with PALB2-related conditions. This variant is not present in population databases (ExAC no frequency).

NM_024675.4(PALB2):c.1869G>C (p.Lys623Asn)

Gene: PALB2 (partner and localizer of BRCA2; minus strand). Cytogenetic location: 16p12.2.
Variant type: single nucleotide variant.
Coding change: c.1869G>C on transcript NM_024675.4 (MANE Select); coding-DNA position 1869, G replaced by C.
Protein change: p.Lys623Asn; replaces lysine 623 with asparagine.
Molecular consequence: missense variant.
Genome position (GRCh38, 1-based): chr16:23,630,285, C>G on the plus strand (G>C on the coding strand, the complement: PALB2 is on the minus strand). VCF-style: chr16-23630285-C-G. GRCh37 (hg19) VCF-style: chr16-23641606-C-G.
Other names: short protein forms K623N.
Identifiers: ClinVar variation 946162 (VCV000946162.12), dbSNP rs1555460612, ClinGen allele CA395127697.